The following is an entry in ClinVar:

NM_000548.5(TSC2):c.2616C>T (p.Ser872=)

Gene: TSC2 (TSC complex subunit 2; plus strand). Cytogenetic location: 16p13.3.
Variant type: single nucleotide variant.
Coding change: c.2616C>T on transcript NM_000548.5 (MANE Select); coding-DNA position 2616, C replaced by T.
Protein change: p.Ser872=; no amino-acid change (serine 872 retained).
Molecular consequence: synonymous variant.
Genome position (GRCh38, 1-based): chr16:2,075,869, C>T. VCF-style: chr16-2075869-C-T. GRCh37 (hg19) VCF-style: chr16-2125870-C-T.
Other names: c.2616C>T, p.Ser872= (NM_001077183.3, NM_001114382.3, NM_001363528.2 and 3 more transcripts); c.2505C>T, p.Ser835= (NM_001318827.2); c.2469C>T, p.Ser823= (NM_001318829.2); c.2016C>T, p.Ser672= (NM_001318831.2); c.2649C>T, p.Ser883= (NM_001318832.2).
Identifiers: ClinVar variation 413664 (VCV000413664.45), dbSNP rs779843919, ClinGen allele CA040319.

ClinVar aggregate classification (germline): Benign/Likely benign. Review status: criteria provided, multiple submitters, no conflicts (2 of 4 stars). 9 submissions from 9 submitters: Benign (3); Likely benign (6). Last evaluated 2025-12-17.

Conditions:
Hereditary cancer-predisposing syndrome. Also called: Tumor predisposition; Hereditary neoplastic syndrome; Hereditary Cancer Syndrome; Neoplastic Syndromes, Hereditary. Identifiers: Orphanet 140162, MedGen C0027672, MeSH D009386, MONDO:0015356.
Tuberous sclerosis syndrome (TSC). Also called: Tuberous Sclerosis Complex; Tuberous sclerosis. Identifiers: Orphanet 805, MedGen C0041341, MONDO:0001734.
Tuberous sclerosis 2 (TSC2). Identifiers: Orphanet 805, MedGen C1860707, MONDO:0013199, OMIM 613254.

Allele frequency attached by ClinVar (database versions not stated): TOPMed below 0.00001; ExAC 0.00002.
gnomAD v4.1: 41 of 1,613,200 alleles (0.0025%); highest among the groups gnomAD compares: Non-Finnish European, 0.0033%; no homozygotes.

Submissions (9):

Labcorp Genetics (formerly Invitae), Labcorp
Classification: Benign for Tuberous sclerosis 2. Last evaluated: 2025-12-17. Review status: criteria provided, single submitter. Criteria: Invitae Variant Classification Sherloc (09022015). Collection method: clinical testing. Allele origin: germline.

Myriad Genetics, Inc.
Classification: Benign for Tuberous sclerosis 2. Last evaluated: 2025-05-20. Review status: criteria provided, single submitter. Criteria: Myriad Autosomal Dominant, Autosomal Recessive and X-Linked Classification Criteria (2023). Collection method: clinical testing. Allele origin: unknown.
Comment: This variant is considered benign. This variant is a silent/synonymous amino acid change and it is not expected to impact splicing.

CeGaT Center for Human Genetics Tuebingen
Classification: Likely benign. Last evaluated: 2024-01-01. Review status: criteria provided, single submitter. Criteria: CeGaT Center For Human Genetics Tuebingen Variant Classification Criteria Version 2. Collection method: clinical testing. Allele origin: germline. Affected: yes. Observed: 2 variant alleles.
Comment: TSC2: BP4, BP7

Color Diagnostics, LLC DBA Color Health
Classification: Likely benign for Tuberous sclerosis syndrome. Last evaluated: 2022-09-27. Review status: criteria provided, single submitter. Criteria: ACMG Guidelines, 2015. Collection method: clinical testing. Allele origin: germline.

Genome-Nilou Lab
Classification: Benign for Tuberous sclerosis 2. Last evaluated: 2021-11-07. Review status: criteria provided, single submitter. Criteria: ACMG Guidelines, 2015. Collection method: clinical testing. Allele origin: germline. Affected: no.

Sema4
Classification: Likely benign for Hereditary cancer-predisposing syndrome. Last evaluated: 2021-11-03. Review status: criteria provided, single submitter. Criteria: Sema4 Curation Guidelines. Collection method: curation. Allele origin: germline.

Blueprint Genetics
Classification: Likely benign. Last evaluated: 2020-11-12. Review status: criteria provided, single submitter. Criteria: ACMG Guidelines, 2015. Collection method: clinical testing. Allele origin: germline.

GeneDx
Classification: Likely benign. Last evaluated: 2018-04-19. Review status: criteria provided, single submitter. Criteria: GeneDx Variant Classification (06012015). Collection method: clinical testing. Allele origin: germline. Affected: yes.
Comment: This variant is considered likely benign or benign based on one or more of the following criteria: it is a conservative change, it occurs at a poorly conserved position in the protein, it is predicted to be benign by multiple in silico algorithms, and/or has population frequency not consistent with disease.

Ambry Genetics
Classification: Likely benign for Hereditary cancer-predisposing syndrome. Last evaluated: 2016-02-11. Review status: criteria provided, single submitter. Criteria: Ambry Variant Classification Scheme 2023. Collection method: clinical testing. Allele origin: germline.